The following is an entry in ClinVar:

NM_001171.6(ABCC6):c.3567T>C (p.Cys1189=)

Gene: ABCC6 (ATP binding cassette subfamily C member 6; minus strand). Cytogenetic location: 16p13.11.
Variant type: single nucleotide variant.
Coding change: c.3567T>C on transcript NM_001171.6 (MANE Select); coding-DNA position 3567, T replaced by C.
Protein change: p.Cys1189=; no amino-acid change (cysteine 1189 retained).
Molecular consequence: synonymous variant. On other transcripts: non-coding transcript variant (1).
Genome position (GRCh38, 1-based): chr16:16,161,504, A>G on the plus strand (T>C on the coding strand, the complement: ABCC6 is on the minus strand). VCF-style: chr16-16161504-A-G. GRCh37 (hg19) VCF-style: chr16-16255361-A-G.
Other names: c.3225T>C, p.Cys1075= (NM_001351800.1); c.3567T>C (NM_001171.5).
Identifiers: ClinVar variation 2174103 (VCV002174103.6), dbSNP rs780601545, ClinGen allele CA7925527.

ClinVar aggregate classification (germline): Likely benign. Review status: criteria provided, multiple submitters, no conflicts (2 of 4 stars). 3 submissions from 3 submitters: Likely benign (3). Last evaluated 2025-10-02.

Conditions:
ABCC6-related disorder. Also called: ABCC6-related condition.

Allele frequency attached by ClinVar (database versions not stated): TOPMed 0.00001; gnomAD 0.00002; ExAC 0.00004; gnomAD exomes 0.00007.
gnomAD v4.1: 109 of 1,613,870 alleles (0.0068%); highest among the groups gnomAD compares: Non-Finnish European, 0.0088%; no homozygotes.

Submissions (3):

Labcorp Genetics (formerly Invitae), Labcorp
Classification: Likely benign. Last evaluated: 2025-10-02. Review status: criteria provided, single submitter. Criteria: Invitae Variant Classification Sherloc (09022015). Collection method: clinical testing. Allele origin: germline.

PreventionGenetics, part of Exact Sciences
Classification: Likely benign for ABCC6-related condition. Last evaluated: 2024-10-17. Review status: criteria provided, single submitter. Criteria: ACMG Guidelines, 2015. Collection method: clinical testing. Allele origin: germline.
Comment: This variant is classified as likely benign based on ACMG/AMP sequence variant interpretation guidelines (Richards et al. 2015 PMID: 25741868, with internal and published modifications).

Blueprint Genetics
Classification: Likely benign. Last evaluated: 2024-04-05. Review status: criteria provided, single submitter. Criteria: ACMG Guidelines, 2015. Collection method: clinical testing. Allele origin: germline.